The following is an entry in ClinVar:

NM_000384.3(APOB):c.5734A>T (p.Asn1912Tyr)

Gene: APOB (apolipoprotein B; minus strand). Cytogenetic location: 2p24.1.
Variant type: single nucleotide variant.
Coding change: c.5734A>T on transcript NM_000384.3 (MANE Select); coding-DNA position 5734, A replaced by T.
Protein change: p.Asn1912Tyr; replaces asparagine 1912 with tyrosine.
Molecular consequence: missense variant.
Genome position (GRCh38, 1-based): chr2:21,011,134, T>A on the plus strand (A>T on the coding strand, the complement: APOB is on the minus strand). VCF-style: chr2-21011134-T-A. GRCh37 (hg19) VCF-style: chr2-21234006-T-A.
Other names: short protein forms N1912Y.
Identifiers: ClinVar variation 924105 (VCV000924105.13), dbSNP rs186480094, ClinGen allele CA062412.
Genomic context (GRCh38, chr2:21,011,134, plus strand): 5'-GGAATTTGCTATACAGCTGCCCAGTATGTTCTCCCCAGAGAGCGAGTTTCCCATTGCCAT[T>A]TGTATGTGCATCGATGGTCATGGTAAACGGGGCCATTACAGAACGGAAGACATTGCTGAA-3'
Protein context (NP_000375.3, residues 1902-1922): PFTMTIDAHT[Asn1912Tyr]GNGKLALWGE

ClinVar aggregate classification (germline): Conflicting classifications of pathogenicity. Review status: criteria provided, conflicting classifications (1 of 4 stars). 4 submissions from 4 submitters: Uncertain significance (3); Likely benign (1). Last evaluated 2025-08-11.

Conditions:
Familial hypobetalipoproteinemia 1. Also called: Hypobetalipoproteinemia, normotriglyceridemic; Acanthocytosis with hypobetalipoproteinemia; APOB-Related Familial Hypobetalipoproteinemia. Identifiers: MedGen C4551990, MONDO:0014252, OMIM 615558.
Hypercholesterolemia, autosomal dominant, type B (FHCL2). Also called: Familial Hypercholesterolemia Type B; HYPERCHOLESTEROLEMIA, FAMILIAL, DUE TO LIGAND-DEFECTIVE APOLIPOPROTEIN B; Familial hypercholesterolemia 2; APOB-Related Familial Hypercholesterolemia, Autosomal Dominant; APOLIPOPROTEIN B-100, FAMILIAL DEFECTIVE; APOLIPOPROTEIN B-100, FAMILIAL LIGAND-DEFECTIVE. Identifiers: MedGen C1704417, MONDO:0007751, OMIM 144010.

Allele frequency attached by ClinVar (database versions not stated): gnomAD exomes 0.00001 and 0.00004; ExAC 0.00003; gnomAD 0.00006 and 0.00007; TOPMed 0.00010; 1000 Genomes Project 30x 0.00031; 1000 Genomes Project 0.00040.
gnomAD v4.1: 29 of 1,614,176 alleles (0.0018%); highest among the groups gnomAD compares: Admixed American, 0.027%; no homozygotes.

Submissions (4):

Labcorp Genetics (formerly Invitae), Labcorp
Classification: Likely benign for Familial hypobetalipoproteinemia 1; Hypercholesterolemia, autosomal dominant, type B. Last evaluated: 2025-08-11. Review status: criteria provided, single submitter. Criteria: Invitae Variant Classification Sherloc (09022015). Collection method: clinical testing. Allele origin: germline.

GeneDx
Classification: Uncertain significance. Last evaluated: 2024-11-26. Review status: criteria provided, single submitter. Criteria: GeneDx Variant Classification Process June 2021. Collection method: clinical testing. Allele origin: germline. Affected: yes.
Comment: In silico analysis supports that this missense variant has a deleterious effect on protein structure/function; Has not been previously published as pathogenic or benign to our knowledge

Quest Diagnostics Nichols Institute San Juan Capistrano
Classification: Uncertain significance. Last evaluated: 2024-07-04. Review status: criteria provided, single submitter. Criteria: Quest Diagnostics criteria. Collection method: clinical testing. Allele origin: unknown.
Comment: The APOB c.5734A>T (p.Asn1912Tyr) variant has not been reported in individuals with APOB-related conditions in the published literature. The frequency of this variant in the general population, 0.00014 (5/34588 chromosomes (Genome Aggregation Database)), is uninformative in the assessment of its pathogenicity. Analysis of this variant using bioinformatics tools for the prediction of the effect of amino acid changes on protein structure and function yielded predictions that this variant is damaging. Based on the available information, we are unable to determine the clinical significance of this variant.

Fulgent Genetics
Classification: Uncertain significance for Hypercholesterolemia, autosomal dominant, type B; Familial hypobetalipoproteinemia 1. Last evaluated: 2021-11-03. Review status: criteria provided, single submitter. Criteria: ACMG Guidelines, 2015. Collection method: clinical testing. Allele origin: unknown.